The following is an entry in ClinVar:

ClinVar aggregate classification (germline): Uncertain significance. Review status: criteria provided, multiple submitters, no conflicts (2 of 4 stars). 2 submissions from 2 submitters: Uncertain significance (2). Last evaluated 2025-09-19.

Conditions:
Hereditary cancer-predisposing syndrome. Also called: Tumor predisposition; Hereditary Cancer Syndrome; Hereditary neoplastic syndrome; Neoplastic Syndromes, Hereditary. Identifiers: Orphanet 140162, MedGen C0027672, MeSH D009386, MONDO:0015356.

Allele frequency attached by ClinVar (database versions not stated): TOPMed below 0.00001; gnomAD 0.00001.
gnomAD v4.1: 1 of 1,606,596 alleles (0.000062%); highest among the groups gnomAD compares: Non-Finnish European, 0.000085%; no homozygotes.

Submissions (2):

Ambry Genetics
Classification: Uncertain significance for Hereditary cancer-predisposing syndrome. Last evaluated: 2025-09-19. Review status: criteria provided, single submitter. Criteria: Ambry Variant Classification Scheme 2023. Collection method: clinical testing. Allele origin: germline.
Comment: The p.M387L variant (also known as c.1159A>C), located in coding exon 8 of the CTNNA1 gene, results from an A to C substitution at nucleotide position 1159. The methionine at codon 387 is replaced by leucine, an amino acid with highly similar properties. This amino acid position is conserved. In addition, the in silico prediction for this alteration is inconclusive. Based on the available evidence, the clinical significance of this variant remains unclear.

Labcorp Genetics (formerly Invitae), Labcorp
Classification: Uncertain significance. Last evaluated: 2024-12-16. Review status: criteria provided, single submitter. Criteria: Invitae Variant Classification Sherloc (09022015). Collection method: clinical testing. Allele origin: germline.
Comment: This sequence change replaces methionine, which is neutral and non-polar, with leucine, which is neutral and non-polar, at codon 387 of the CTNNA1 protein (p.Met387Leu). This variant is not present in population databases (gnomAD no frequency). This variant has not been reported in the literature in individuals affected with CTNNA1-related conditions. ClinVar contains an entry for this variant (Variation ID: 1480623). Invitae Evidence Modeling of protein sequence and biophysical properties (such as structural, functional, and spatial information, amino acid conservation, physicochemical variation, residue mobility, and thermodynamic stability) indicates that this missense variant is not expected to disrupt CTNNA1 protein function with a negative predictive value of 80%. In summary, the available evidence is currently insufficient to determine the role of this variant in disease. Therefore, it has been classified as a Variant of Uncertain Significance.

NM_001903.5(CTNNA1):c.1159A>C (p.Met387Leu)

Gene: CTNNA1 (catenin alpha 1; plus strand). Cytogenetic location: 5q31.2.
Variant type: single nucleotide variant.
Coding change: c.1159A>C on transcript NM_001903.5 (MANE Select); coding-DNA position 1159, A replaced by C.
Protein change: p.Met387Leu; replaces methionine 387 with leucine.
Molecular consequence: missense variant. On other transcripts: 5 prime UTR variant (5), intron variant (2).
Genome position (GRCh38, 1-based): chr5:138,887,505, A>C. VCF-style: chr5-138887505-A-C. GRCh37 (hg19) VCF-style: chr5-138223194-A-C.
Other names: c.1159A>C (NM_001903.2); c.1159A>C, p.Met387Leu (NM_001290307.3, NM_001323982.2, NM_001323983.1 and 3 more transcripts); c.850A>C, p.Met284Leu (NM_001290309.3); c.790A>C, p.Met264Leu (NM_001290310.3); c.49A>C, p.Met17Leu (NM_001290312.1, NM_001323987.1, NM_001323988.1 and 18 more transcripts); c.-349A>C (NM_001324006.1, NM_001324007.1, NM_001324008.1 and 1 more transcripts); c.-224A>C (NM_001324013.1); c.-58+11908A>C (NM_001324012.1); and 1 more; short protein forms M284L, M17L, M264L, M387L.
Identifiers: ClinVar variation 1480623 (VCV001480623.9), dbSNP rs1754335959, ClinGen allele CA361132955.
Genomic context (GRCh38, chr5:138,887,505, plus strand): 5'-CTTTTTGGTAGAAATAAAATCAAATTTTTACAATTTAATCATTAGCTCCGCAAAGCTGTC[A>C]TGGACCACGTTTCAGATTCTTTCCTGGAAACCAATGTTCCACTTTTGGTATTGATTGAAG-3'
Protein context (NP_001894.2, residues 377-397): DLRRQLRKAV[Met387Leu]DHVSDSFLET